The following is an entry in ClinVar:

ClinVar aggregate classification (germline): Uncertain significance. Review status: criteria provided, multiple submitters, no conflicts (2 of 4 stars). 2 submissions from 2 submitters: Uncertain significance (2). Last evaluated 2026-01-01.

Conditions:
Developmental and epileptic encephalopathy, 11 (DEE11). Also called: Early infantile epileptic encephalopathy 11. Identifiers: Orphanet 1934, MedGen C3150987, MONDO:0013388, OMIM 613721.
Seizures, benign familial infantile, 3 (BFIS3). Also called: CONVULSIONS, BENIGN FAMILIAL INFANTILE, 3; Familial neonatal seizures. Identifiers: Orphanet 140927, Orphanet 306, MedGen C1843140, MONDO:0011904, OMIM 607745.

Submissions (2):

CeGaT Center for Human Genetics Tuebingen
Classification: Uncertain significance. Last evaluated: 2026-01-01. Review status: criteria provided, single submitter. Criteria: CeGaT Center For Human Genetics Tuebingen Variant Classification Criteria Version 2. Collection method: clinical testing. Allele origin: germline. Affected: yes. Observed: 2 variant alleles.
Comment: SCN2A: PM1, PM2, PP3

Labcorp Genetics (formerly Invitae), Labcorp
Classification: Uncertain significance for Seizures, benign familial infantile, 3; Developmental and epileptic encephalopathy, 11. Last evaluated: 2025-01-06. Review status: criteria provided, single submitter. Criteria: Invitae Variant Classification Sherloc (09022015). Collection method: clinical testing. Allele origin: germline.
Comment: This sequence change replaces isoleucine, which is neutral and non-polar, with valine, which is neutral and non-polar, at codon 1238 of the SCN2A protein (p.Ile1238Val). This variant is not present in population databases (gnomAD no frequency). This variant has not been reported in the literature in individuals affected with SCN2A-related conditions. ClinVar contains an entry for this variant (Variation ID: 1016080). Invitae Evidence Modeling of protein sequence and biophysical properties (such as structural, functional, and spatial information, amino acid conservation, physicochemical variation, residue mobility, and thermodynamic stability) has been performed for this missense variant. However, the output from this modeling did not meet the statistical confidence thresholds required to predict the impact of this variant on SCN2A protein function. In summary, the available evidence is currently insufficient to determine the role of this variant in disease. Therefore, it has been classified as a Variant of Uncertain Significance.

NM_001040142.2(SCN2A):c.3712A>G (p.Ile1238Val)

Gene: SCN2A (sodium voltage-gated channel alpha subunit 2; plus strand). Cytogenetic location: 2q24.3.
Variant type: single nucleotide variant.
Coding change: c.3712A>G on transcript NM_001040142.2 (MANE Select); coding-DNA position 3712, A replaced by G.
Protein change: p.Ile1238Val; replaces isoleucine 1238 with valine.
Molecular consequence: missense variant.
Genome position (GRCh38, 1-based): chr2:165,370,162, A>G. VCF-style: chr2-165370162-A-G. GRCh37 (hg19) VCF-style: chr2-166226672-A-G.
Other names: c.3712A>G, p.Ile1238Val (NM_001040143.2, NM_001371246.1, NM_001371247.1 and 1 more transcripts); short protein forms I1238V.
Identifiers: ClinVar variation 1016080 (VCV001016080.32), dbSNP rs1700951980, ClinGen allele CA349027669.